The following is an entry in ClinVar:

ClinVar aggregate classification (germline): Uncertain significance. Review status: criteria provided, multiple submitters, no conflicts (2 of 4 stars). 2 submissions from 2 submitters: Uncertain significance (2). Last evaluated 2023-05-25.

Conditions:
Inborn genetic diseases. Identifiers: MedGen C0950123, MeSH D030342.

Allele frequency attached by ClinVar (database versions not stated): ExAC 0.00001; gnomAD exomes 0.00001; TOPMed 0.00002; gnomAD 0.00003.
gnomAD v4.1: 9 of 1,199,476 alleles (0.00075%); highest among the groups gnomAD compares: Admixed American, 0.0023%; no homozygotes.

Submissions (2):

Ambry Genetics
Classification: Uncertain significance for Inborn genetic diseases. Last evaluated: 2023-05-25. Review status: criteria provided, single submitter. Criteria: Ambry Variant Classification Scheme 2023. Collection method: clinical testing. Allele origin: germline.

Labcorp Genetics (formerly Invitae), Labcorp
Classification: Uncertain significance. Last evaluated: 2022-10-25. Review status: criteria provided, single submitter. Criteria: Invitae Variant Classification Sherloc (09022015). Collection method: clinical testing. Allele origin: germline.
Comment: This sequence change replaces arginine, which is basic and polar, with cysteine, which is neutral and slightly polar, at codon 394 of the DDX3X protein (p.Arg394Cys). This variant is present in population databases (rs753655574, gnomAD 0.004%). This variant has not been reported in the literature in individuals affected with DDX3X-related conditions. Algorithms developed to predict the effect of missense changes on protein structure and function are either unavailable or do not agree on the potential impact of this missense change (SIFT: "Deleterious"; PolyPhen-2: "Not Available"; Align-GVGD: "Class C0"). In summary, the available evidence is currently insufficient to determine the role of this variant in disease. Therefore, it has been classified as a Variant of Uncertain Significance.

NM_001356.5(DDX3X):c.1180C>T (p.Arg394Cys)

Gene: DDX3X (DEAD-box helicase 3 X-linked; plus strand). Cytogenetic location: Xp11.4.
Variant type: single nucleotide variant.
Coding change: c.1180C>T on transcript NM_001356.5 (MANE Select); coding-DNA position 1180, C replaced by T.
Protein change: p.Arg394Cys; replaces arginine 394 with cysteine.
Molecular consequence: missense variant. On other transcripts: non-coding transcript variant (1).
Genome position (GRCh38, 1-based): chrX:41,345,413, C>T. VCF-style: chrX-41345413-C-T. GRCh37 (hg19) VCF-style: chrX-41204666-C-T.
Other names: c.1180C>T (NM_001356.3); c.1180C>T, p.Arg394Cys (NM_001193416.3); c.1132C>T, p.Arg378Cys (NM_001193417.3); c.622C>T, p.Arg208Cys (NM_001363819.1); short protein forms R208C, R394C, R378C.
Identifiers: ClinVar variation 1979555 (VCV001979555.6), dbSNP rs753655574, ClinGen allele CA10389602.
Genomic context (GRCh38, chrX:41,345,413, plus strand): 5'-ATTTAGAAATTTGTTTATCTCAGGTAATAATAAAAATTTTTTTTCTTTCAGATGCTGGCT[C>T]GTGATTTCTTAGATGAATATATCTTCTTGGCTGTAGGAAGAGTTGGCTCTACCTCTGAAA-3'
Protein context (NP_001347.3, residues 384-404): TFPKEIQMLA[Arg394Cys]DFLDEYIFLA